The following is an entry in ClinVar:

NM_015259.6(ICOSLG):c.416G>C (p.Ser139Thr)

Gene: ICOSLG (inducible T cell costimulator ligand; minus strand). Cytogenetic location: 21q22.3.
Variant type: single nucleotide variant.
Coding change: c.416G>C on transcript NM_015259.6 (MANE Select); coding-DNA position 416, G replaced by C.
Protein change: p.Ser139Thr; replaces serine 139 with threonine.
Molecular consequence: missense variant.
Genome position (GRCh38, 1-based): chr21:44,235,553, C>G on the plus strand (G>C on the coding strand, the complement: ICOSLG is on the minus strand). VCF-style: chr21-44235553-C-G. GRCh37 (hg19) VCF-style: chr21-45655436-C-G.
Other names: c.416G>C, p.Ser139Thr (NM_001283050.2, NM_001395918.1); c.65G>C, p.Ser22Thr (NM_001283051.2); c.161G>C, p.Ser54Thr (NM_001283052.2); c.335G>C, p.Ser112Thr (NM_001365759.2); short protein forms S22T, S112T, S139T, S54T.
Identifiers: ClinVar variation 3696706 (VCV003696706.2).
Genomic context (GRCh38, chr21:44,235,553, plus strand): 5'-GTACACGTGAAGGTGAGCTCATCCTGGGAGGGGCTGTGGGGGGCGCTGACGACGGGCACG[C>G]TGAAGTTTGCTGCAGGGGAGGGAAACAGATTGTGAGAGATGCCAGACCCTGCTGGTCAAG-3'
Protein context (NP_056074.1, residues 129-149): EVTLHVAANF[Ser139Thr]VPVVSAPHSP

ClinVar aggregate classification (germline): Uncertain significance (1 of 4 stars; one submission).

Submission:

Labcorp Genetics (formerly Invitae), Labcorp
Classification: Uncertain significance. Last evaluated: 2024-04-29. Review status: criteria provided, single submitter. Criteria: Invitae Variant Classification Sherloc (09022015). Collection method: clinical testing. Allele origin: germline.
Comment: This sequence change replaces serine, which is neutral and polar, with threonine, which is neutral and polar, at codon 139 of the ICOSLG protein (p.Ser139Thr). This variant is present in population databases (no rsID available, gnomAD 0.0009%). This variant has not been reported in the literature in individuals affected with ICOSLG-related conditions. An algorithm developed to predict the effect of missense changes on protein structure and function (PolyPhen-2) suggests that this variant is likely to be disruptive. In summary, the available evidence is currently insufficient to determine the role of this variant in disease. Therefore, it has been classified as a Variant of Uncertain Significance.